The following is an entry in ClinVar:

NM_016653.3(MAP3K20):c.875A>T (p.Glu292Val)

Genes: MAP3K20 (mitogen-activated protein kinase kinase kinase 20; plus strand), MAP3K20-AS1 (MAP3K20 antisense RNA 1; minus strand). Cytogenetic location: 2q31.1.
Variant type: single nucleotide variant.
Coding change: c.875A>T on transcript NM_016653.3 (MANE Select); coding-DNA position 875, A replaced by T.
Protein change: p.Glu292Val; replaces glutamic acid 292 with valine.
Molecular consequence: missense variant.
Genome position (GRCh38, 1-based): chr2:173,217,138, A>T. VCF-style: chr2-173217138-A-T. GRCh37 (hg19) VCF-style: chr2-174081866-A-T.
Other names: c.875A>T, p.Glu292Val (NM_133646.3); short protein forms E292V.
Identifiers: ClinVar variation 1519010 (VCV001519010.6), dbSNP rs1486546658, ClinGen allele CA349314106.

ClinVar aggregate classification (germline): Uncertain significance (1 of 4 stars; one submission).

Allele frequency attached by ClinVar (database versions not stated): TOPMed below 0.00001; gnomAD 0.00001.
gnomAD v4.1: 2 of 1,582,640 alleles (0.00013%); highest among the groups gnomAD compares: African/African-American, 0.0027%; no homozygotes.

Submission:

Labcorp Genetics (formerly Invitae), Labcorp
Classification: Uncertain significance. Last evaluated: 2022-07-25. Review status: criteria provided, single submitter. Criteria: Invitae Variant Classification Sherloc (09022015). Collection method: clinical testing. Allele origin: germline.
Comment: This sequence change replaces glutamic acid with valine at codon 292 of the MAP3K20 protein (p.Glu292Val). The glutamic acid residue is highly conserved and there is a moderate physicochemical difference between glutamic acid and valine. In summary, the available evidence is currently insufficient to determine the role of this variant in disease. Therefore, it has been classified as a Variant of Uncertain Significance. Experimental studies and prediction algorithms are not available or were not evaluated, and the functional significance of this variant is currently unknown. ClinVar contains an entry for this variant (Variation ID: 1519010). This variant has not been reported in the literature in individuals affected with MAP3K20-related conditions. This variant is not present in population databases (gnomAD no frequency).